The following is an entry in ClinVar:

NM_007294.4(BRCA1):c.4796C>T (p.Ala1599Val)

Gene: BRCA1 (BRCA1 DNA repair associated; minus strand). Cytogenetic location: 17q21.31.
Variant type: single nucleotide variant.
Coding change: c.4796C>T on transcript NM_007294.4 (MANE Select); coding-DNA position 4796, C replaced by T.
Protein change: p.Ala1599Val; replaces alanine 1599 with valine.
Molecular consequence: missense variant. On other transcripts: non-coding transcript variant (1).
Genome position (GRCh38, 1-based): chr17:43,071,118, G>A on the plus strand (C>T on the coding strand, the complement: BRCA1 is on the minus strand). VCF-style: chr17-43071118-G-A. GRCh37 (hg19) VCF-style: chr17-41223135-G-A.
Other names: c.4670C>T, p.Ala1557Val (NM_001407940.1, NM_001407670.1, NM_001407671.1 and 11 more transcripts); c.4667C>T, p.Ala1556Val (NM_001407941.1, NM_001407681.1, NM_001407682.1 and 6 more transcripts); c.4460C>T, p.Ala1487Val (NM_001407955.1, NM_001407950.1, NM_001407951.1 and 3 more transcripts); c.4457C>T, p.Ala1486Val (NM_001407956.1, NM_001407957.1, NM_001407958.1); c.4655C>T, p.Ala1552Val (NM_001407942.1, NM_001407692.1, NM_001407694.1 and 13 more transcripts); c.4652C>T, p.Ala1551Val (NM_001407943.1, NM_001407944.1, NM_001407945.1 and 21 more transcripts); c.4463C>T, p.Ala1488Val (NM_001407946.1, NM_001407947.1, NM_001407948.1 and 1 more transcripts); c.4583C>T, p.Ala1528Val (NM_001407571.1, NM_001407894.1, NM_001407895.1 and 12 more transcripts); and 70 more; short protein forms A495V, A1552V, A1599V, A1620V, A1303V, A1445V, A1470V, A1511V.
Identifiers: ClinVar variation 825179 (VCV000825179.18), dbSNP rs749702730, ClinGen allele CA053237.
Genomic context (GRCh38, chr17:43,071,118, plus strand): 5'-GTATGAGCAGCAGCTGGACTCTGGGCAGATTCTGCAACTTTCAATTGGGGAACTTTCAAT[G>A]CAGAGGTTGAAGATGGTATGTTGCCAACACGAGCTGACTCTGGGGCTCTGTCTTCAGAAG-3'
Protein context (NP_009225.1, residues 1589-1609): RVGNIPSSTS[Ala1599Val]LKVPQLKVAE

ClinVar aggregate classification (germline): Uncertain significance. Review status: criteria provided, multiple submitters, no conflicts (2 of 4 stars). 4 submissions from 4 submitters: Uncertain significance (4). Last evaluated 2025-11-24.

Conditions:
Hereditary cancer-predisposing syndrome. Also called: Neoplastic Syndromes, Hereditary; Tumor predisposition; Hereditary Cancer Syndrome; Hereditary neoplastic syndrome. Identifiers: Orphanet 140162, MedGen C0027672, MeSH D009386, MONDO:0015356.
Hereditary breast ovarian cancer syndrome. Also called: Hereditary breast and ovarian cancer; Hereditary breast and/or ovarian cancer syndrome; BRCA1- and BRCA2-Associated Hereditary Breast and Ovarian Cancer; Breast and ovarian cancer; Hereditary breast and ovarian cancer syndrome; Hereditary breast and ovarian cancer syndrome (HBOC). Identifiers: Orphanet 145, MedGen C0677776, MeSH D061325, MONDO:0003582. Disease mechanism: loss of function.

Allele frequency attached by ClinVar (database versions not stated): gnomAD exomes below 0.00001 and 0.00001; ExAC 0.00001.
gnomAD v4.1: 4 of 1,614,208 alleles (0.00025%); highest among the groups gnomAD compares: South Asian, 0.0044%; no homozygotes.

Submissions (4):

Labcorp Genetics (formerly Invitae), Labcorp
Classification: Uncertain significance for Hereditary breast ovarian cancer syndrome. Last evaluated: 2025-11-24. Review status: criteria provided, single submitter. Criteria: Invitae Variant Classification Sherloc (09022015). Collection method: clinical testing. Allele origin: germline.
Comment: This sequence change replaces alanine, which is neutral and non-polar, with valine, which is neutral and non-polar, at codon 1599 of the BRCA1 protein (p.Ala1599Val). This variant is present in population databases (rs749702730, gnomAD 0.006%). This variant has not been reported in the literature in individuals affected with BRCA1-related conditions. ClinVar contains an entry for this variant (Variation ID: 825179). Invitae Evidence Modeling of protein sequence and biophysical properties (such as structural, functional, and spatial information, amino acid conservation, physicochemical variation, residue mobility, and thermodynamic stability) indicates that this missense variant is not expected to disrupt BRCA1 protein function with a negative predictive value of 95%. In summary, the available evidence is currently insufficient to determine the role of this variant in disease. Therefore, it has been classified as a Variant of Uncertain Significance.

Ambry Genetics
Classification: Uncertain significance for Hereditary cancer-predisposing syndrome. Last evaluated: 2023-11-29. Review status: criteria provided, single submitter. Criteria: Ambry Variant Classification Scheme 2023. Collection method: clinical testing. Allele origin: germline.
Comment: The p.A1599V variant (also known as c.4796C>T), located in coding exon 14 of the BRCA1 gene, results from a C to T substitution at nucleotide position 4796. The alanine at codon 1599 is replaced by valine, an amino acid with similar properties. This amino acid position is not well conserved in available vertebrate species. In addition, the in silico prediction for this alteration is inconclusive. Since supporting evidence is limited at this time, the clinical significance of this alteration remains unclear.

Color Diagnostics, LLC DBA Color Health
Classification: Uncertain significance for Hereditary cancer-predisposing syndrome. Last evaluated: 2021-12-15. Review status: criteria provided, single submitter. Criteria: ACMG Guidelines, 2015. Collection method: clinical testing. Allele origin: germline.
Comment: This missense variant replaces alanine with valine at codon 1599 of the BRCA1 protein. Computational prediction is inconclusive regarding the impact of this variant on protein structure and function (internally defined REVEL score threshold 0.5 < inconclusive < 0.7, PMID: 27666373). To our knowledge, functional studies have not been reported for this variant. This variant has not been reported in individuals affected with hereditary cancer in the literature. This variant has been identified in 2/251400 chromosomes in the general population by the Genome Aggregation Database (gnomAD). The available evidence is insufficient to determine the role of this variant in disease conclusively. Therefore, this variant is classified as a Variant of Uncertain Significance.

Blueprint Genetics
Classification: Uncertain significance. Last evaluated: 2021-02-15. Review status: criteria provided, single submitter. Criteria: ACMG Guidelines, 2015. Collection method: clinical testing. Allele origin: germline.